The following is an entry in ClinVar:

NM_006648.4(WNK2):c.2098C>T (p.Pro700Ser)

Gene: WNK2 (WNK lysine deficient protein kinase 2; plus strand). Cytogenetic location: 9q22.31.
Variant type: single nucleotide variant.
Coding change: c.2098C>T on transcript NM_006648.4 (MANE Select); coding-DNA position 2098, C replaced by T.
Protein change: p.Pro700Ser; replaces proline 700 with serine.
Molecular consequence: missense variant.
Genome position (GRCh38, 1-based): chr9:93,256,362, C>T. VCF-style: chr9-93256362-C-T. GRCh37 (hg19) VCF-style: chr9-96018644-C-T.
Other names: c.2098C>T, p.Pro700Ser (NM_001282394.3); short protein forms P700S.
Identifiers: ClinVar variation 4201822 (VCV004201822.1).

ClinVar aggregate classification (germline): Uncertain significance (1 of 4 stars; one submission).

Submission:

Ambry Genetics
Classification: Uncertain significance. Last evaluated: 2025-08-25. Review status: criteria provided, single submitter. Criteria: Ambry Variant Classification Scheme 2023. Collection method: clinical testing. Allele origin: germline.
Comment: The p.P700S variant (also known as c.2098C>T), located in coding exon 9 of the WNK2 gene, results from a C to T substitution at nucleotide position 2098. The proline at codon 700 is replaced by serine, an amino acid with similar properties. This amino acid position is conserved. In addition, this alteration is predicted to be tolerated by in silico analysis. Based on the available evidence, the clinical significance of this variant remains unclear.